The following is an entry in ClinVar:

NM_014484.5(MOCS3):c.1333G>A (p.Gly445Ser)

Gene: MOCS3 (molybdenum cofactor synthesis 3; plus strand). Cytogenetic location: 20q13.13.
Variant type: single nucleotide variant.
Coding change: c.1333G>A on transcript NM_014484.5 (MANE Select); coding-DNA position 1333, G replaced by A.
Protein change: p.Gly445Ser; replaces glycine 445 with serine.
Molecular consequence: missense variant.
Genome position (GRCh38, 1-based): chr20:50,960,175, G>A. VCF-style: chr20-50960175-G-A. GRCh37 (hg19) VCF-style: chr20-49576712-G-A.
Other names: short protein forms G445S.
Identifiers: ClinVar variation 1414024 (VCV001414024.8), dbSNP rs749317119, ClinGen allele CA9909580.

ClinVar aggregate classification (germline): Uncertain significance (1 of 4 stars; one submission).

Allele frequency attached by ClinVar (database versions not stated): gnomAD exomes 0.00001 and 0.00002; ExAC 0.00002; TOPMed 0.00002.
gnomAD v4.1: 4 of 1,614,076 alleles (0.00025%); highest among the groups gnomAD compares: East Asian, 0.0089%; no homozygotes.

Submission:

Labcorp Genetics (formerly Invitae), Labcorp
Classification: Uncertain significance. Last evaluated: 2024-07-29. Review status: criteria provided, single submitter. Criteria: Invitae Variant Classification Sherloc (09022015). Collection method: clinical testing. Allele origin: germline.
Comment: This sequence change replaces glycine, which is neutral and non-polar, with serine, which is neutral and polar, at codon 445 of the MOCS3 protein (p.Gly445Ser). This variant is present in population databases (rs749317119, gnomAD 0.02%). This variant has not been reported in the literature in individuals affected with MOCS3-related conditions. ClinVar contains an entry for this variant (Variation ID: 1414024). An algorithm developed to predict the effect of missense changes on protein structure and function (PolyPhen-2) suggests that this variant is likely to be disruptive. In summary, the available evidence is currently insufficient to determine the role of this variant in disease. Therefore, it has been classified as a Variant of Uncertain Significance.